The following is an entry in ClinVar:

ClinVar aggregate classification (germline): Pathogenic. Review status: criteria provided, multiple submitters, no conflicts (2 of 4 stars). 3 submissions from 3 submitters: Pathogenic (2). 1 of the submissions does not count toward it. Last evaluated 2024-02-22.

Conditions:
Hereditary cancer-predisposing syndrome. Also called: Tumor predisposition; Hereditary Cancer Syndrome; Hereditary neoplastic syndrome; Neoplastic Syndromes, Hereditary. Identifiers: Orphanet 140162, MedGen C0027672, MeSH D009386, MONDO:0015356.
Ataxia-telangiectasia syndrome (AT). Also called: ATAXIA-TELANGIECTASIA, COMPLEMENTATION GROUP A; ATAXIA-TELANGIECTASIA, FRESNO VARIANT; Ataxia-telangiectasia; Ataxia telangiectasia (A-T); Cerebello-oculocutaneous telangiectasia; Immunodeficiency with ataxia telangiectasia. Identifiers: Orphanet 100, MedGen C0004135, MONDO:0008840, OMIM 208900.

Submissions (3):

Ambry Genetics
Classification: Pathogenic for Hereditary cancer-predisposing syndrome. Last evaluated: 2024-02-22. Review status: criteria provided, single submitter. Criteria: Ambry Variant Classification Scheme 2023. Collection method: clinical testing. Allele origin: germline.
Comment: The c.3315dupC pathogenic mutation, located in coding exon 22 of the ATM gene, results from a duplication of C at nucleotide position 3315, causing a translational frameshift with a predicted alternate stop codon (p.R1106Qfs*16). This variant is considered to be rare based on population cohorts in the Genome Aggregation Database (gnomAD). This alteration is expected to result in loss of function by premature protein truncation or nonsense-mediated mRNA decay. As such, this alteration is interpreted as a disease-causing mutation.

Labcorp Genetics (formerly Invitae), Labcorp
Classification: Pathogenic for Ataxia-telangiectasia syndrome. Last evaluated: 2022-05-18. Review status: criteria provided, single submitter. Criteria: Invitae Variant Classification Sherloc (09022015). Collection method: clinical testing. Allele origin: germline.
Comment: This variant is not present in population databases (gnomAD no frequency). This sequence change creates a premature translational stop signal (p.Arg1106Glnfs*16) in the ATM gene. It is expected to result in an absent or disrupted protein product. Loss-of-function variants in ATM are known to be pathogenic (PMID: 23807571, 25614872). This variant has not been reported in the literature in individuals affected with ATM-related conditions. ClinVar contains an entry for this variant (Variation ID: 370190). For these reasons, this variant has been classified as Pathogenic.

Counsyl
Classification: Likely pathogenic for Ataxia-telangiectasia syndrome. Last evaluated: 2015-12-11. Review status: no assertion criteria provided. Collection method: clinical testing. Allele origin: unknown. Not counted in ClinVar's aggregate classification.

Literature cited by the submitters: PubMed 23807571 (cited by Labcorp Genetics (formerly Invitae), Labcorp); PubMed 25614872 (cited by Labcorp Genetics (formerly Invitae), Labcorp).

NM_000051.4(ATM):c.3315dup (p.Arg1106fs)

Gene: ATM (ATM serine/threonine kinase; plus strand). Cytogenetic location: 11q22.3.
Variant type: Duplication.
Coding change: c.3315dup on transcript NM_000051.4 (MANE Select); coding-DNA position 3315, one base duplicated (C; older notation c.3315dupC).
Protein change: p.Arg1106fs; shifts the reading frame from arginine 1106.
Molecular consequence: frameshift variant.
Genome position (GRCh38, 1-based): chr11:108,279,521, C duplicated; the last of 2 consecutive C bases (chr11:108,279,520-108,279,521); duplicating either gives the same sequence. VCF-style (leftmost placement, unchanged base first): chr11-108279519-T-TC. GRCh37 (hg19) VCF-style: chr11-108150246-T-TC.
Other names: c.3315dupC (NM_000051.3); c.3315dup, p.Arg1106fs (NM_001351834.2); short protein forms R1106fs.
Identifiers: ClinVar variation 370190 (VCV000370190.11), dbSNP rs1057516301, ClinGen allele CA16041399.
Genomic context (GRCh38, chr11:108,279,519, plus strand): 5'-TTTTGTTTGTTTGTTTGCTTGCTTGTTTTAAGATTGTTCCAGGACACGAAGGGAGATTCT[T>TC]CCAGGTTACTGAAAGCACTTCCTTTGAAGCTTCAGCAAACAGCTTTTGAAAATGCATACT-3'